The following is an entry in ClinVar:

ClinVar aggregate classification (germline): Conflicting classifications of pathogenicity. Review status: criteria provided, conflicting classifications (1 of 4 stars). 2 submissions from 2 submitters: Uncertain significance (1); Likely benign (1). Last evaluated 2026-02-02.

Conditions:
Fanconi anemia (FA). Also called: Fanconi's anemia. Identifiers: Orphanet 84, MedGen C0015625, MeSH D005199, MONDO:0019391.

Allele frequency attached by ClinVar (database versions not stated): ExAC 0.00001; gnomAD exomes below 0.00001 and 0.00001.
gnomAD v4.1: 9 of 1,614,178 alleles (0.00056%); highest among the groups gnomAD compares: Admixed American, 0.01%; no homozygotes.

Submissions (2):

Dasa
Classification: Likely benign. Last evaluated: 2026-02-02. Review status: criteria provided, single submitter. Criteria: DASA Assertion Criteria. Collection method: clinical testing. Allele origin: germline.
Comment: NM_032444.4(SLX4):c.4601G>T (p.Gly1534Val) is a missense variant that results in the substitution of glycine with valine. The variant context is inconsistent with a known disease-causing mechanism. Computational prediction algorithms are consistent with a benign effect. Therefore, based on the currently available evidence, this variant is classified as likely benign.

Labcorp Genetics (formerly Invitae), Labcorp
Classification: Uncertain significance for Fanconi anemia. Last evaluated: 2024-11-05. Review status: criteria provided, single submitter. Criteria: Invitae Variant Classification Sherloc (09022015). Collection method: clinical testing. Allele origin: germline.
Comment: This sequence change replaces glycine, which is neutral and non-polar, with valine, which is neutral and non-polar, at codon 1534 of the SLX4 protein (p.Gly1534Val). This variant is present in population databases (rs753047651, gnomAD 0.0009%). This variant has not been reported in the literature in individuals affected with SLX4-related conditions. ClinVar contains an entry for this variant (Variation ID: 1063746). An algorithm developed to predict the effect of missense changes on protein structure and function (PolyPhen-2) suggests that this variant¬†is likely to be tolerated. In summary, the available evidence is currently insufficient to determine the role of this variant in disease. Therefore, it has been classified as a Variant of Uncertain Significance.

NM_032444.4(SLX4):c.4601G>T (p.Gly1534Val)

Gene: SLX4 (SLX4 structure-specific endonuclease subunit; minus strand). Cytogenetic location: 16p13.3.
Variant type: single nucleotide variant.
Coding change: c.4601G>T on transcript NM_032444.4 (MANE Select); coding-DNA position 4601, G replaced by T.
Protein change: p.Gly1534Val; replaces glycine 1534 with valine.
Molecular consequence: missense variant.
Genome position (GRCh38, 1-based): chr16:3,589,037, C>A on the plus strand (G>T on the coding strand, the complement: SLX4 is on the minus strand). VCF-style: chr16-3589037-C-A. GRCh37 (hg19) VCF-style: chr16-3639038-C-A.
Other names: short protein forms G1534V.
Identifiers: ClinVar variation 1063746 (VCV001063746.10), dbSNP rs753047651, ClinGen allele CA7865588.